The following is an entry in ClinVar:

ClinVar aggregate classification (germline): Uncertain significance (1 of 4 stars; one submission).

Submission:

Mayo Clinic Laboratories, Mayo Clinic
Classification: Uncertain significance. Last evaluated: 2025-10-30. Review status: criteria provided, single submitter. Criteria: ACMG Guidelines, 2015. Collection method: clinical testing. Allele origin: germline. Observed: 1 variant allele.
Comment: PP3, PM2_supporting

NM_001364905.1(LRBA):c.7513T>C (p.Ser2505Pro)

Gene: LRBA (LPS responsive beige-like anchor protein; minus strand). Cytogenetic location: 4q31.3.
Variant type: single nucleotide variant.
Coding change: c.7513T>C on transcript NM_001364905.1 (MANE Select); coding-DNA position 7513, T replaced by C.
Protein change: p.Ser2505Pro; replaces serine 2505 with proline.
Molecular consequence: missense variant.
Genome position (GRCh38, 1-based): chr4:150,321,308, A>G on the plus strand (T>C on the coding strand, the complement: LRBA is on the minus strand). VCF-style: chr4-150321308-A-G. GRCh37 (hg19) VCF-style: chr4-151242460-A-G.
Other names: p.Ser2516Pro; c.7513T>C, p.Ser2505Pro (NM_001199282.3); c.7528T>C, p.Ser2510Pro (NM_001367550.1, NM_001440431.1); c.7561T>C, p.Ser2521Pro (NM_001440430.1); c.1231T>C, p.Ser411Pro (NM_001440432.1); c.1225T>C, p.Ser409Pro (NM_001440433.1); c.7546T>C, p.Ser2516Pro (NM_006726.5); short protein forms S411P, S2505P, S2510P, S2521P, S2516P, S409P.
Identifiers: ClinVar variation 4541000 (VCV004541000.1).